The following is an entry in ClinVar:

ClinVar aggregate classification (germline): Uncertain significance (1 of 4 stars; one submission).

Conditions:
Congenital myopathy with internal nuclei and atypical cores. Also called: Myopathy, centronuclear, 4. Identifiers: Orphanet 319160, MedGen C4707232, MONDO:0013890, OMIM 614807.

Allele frequency attached by ClinVar (database versions not stated): ExAC 0.00001; TOPMed 0.00002; 1000 Genomes Project 30x 0.00016; 1000 Genomes Project 0.00020.
gnomAD v4.1: 16 of 1,612,094 alleles (0.00099%); highest among the groups gnomAD compares: African/African-American, 0.0027%; no homozygotes.

Submission:

Labcorp Genetics (formerly Invitae), Labcorp
Classification: Uncertain significance for Congenital myopathy with internal nuclei and atypical cores. Last evaluated: 2024-04-25. Review status: criteria provided, single submitter. Criteria: Invitae Variant Classification Sherloc (09022015). Collection method: clinical testing. Allele origin: germline.
Comment: This sequence change replaces arginine, which is basic and polar, with glycine, which is neutral and non-polar, at codon 231 of the CCDC78 protein (p.Arg231Gly). This variant is present in population databases (rs527479144, gnomAD 0.007%). This variant has not been reported in the literature in individuals affected with CCDC78-related conditions. ClinVar contains an entry for this variant (Variation ID: 473262). Advanced modeling of protein sequence and biophysical properties (such as structural, functional, and spatial information, amino acid conservation, physicochemical variation, residue mobility, and thermodynamic stability) performed at Invitae indicates that this missense variant is not expected to disrupt CCDC78 protein function with a negative predictive value of 80%. In summary, the available evidence is currently insufficient to determine the role of this variant in disease. Therefore, it has been classified as a Variant of Uncertain Significance.

NM_001378030.1(CCDC78):c.691C>G (p.Arg231Gly)

Gene: CCDC78 (coiled-coil domain containing 78; minus strand). Cytogenetic location: 16p13.3.
Variant type: single nucleotide variant.
Coding change: c.691C>G on transcript NM_001378030.1 (MANE Select); coding-DNA position 691, C replaced by G.
Protein change: p.Arg231Gly; replaces arginine 231 with glycine.
Molecular consequence: missense variant. On other transcripts: non-coding transcript variant (5), intron variant (1).
Genome position (GRCh38, 1-based): chr16:724,755, G>C on the plus strand (C>G on the coding strand, the complement: CCDC78 is on the minus strand). VCF-style: chr16-724755-G-C. GRCh37 (hg19) VCF-style: chr16-774755-G-C.
Other names: c.691C>G, p.Arg231Gly (NM_001031737.3, NM_001378031.1); c.199-246C>G (NM_001378033.1); short protein forms R231G.
Identifiers: ClinVar variation 473262 (VCV000473262.10), dbSNP rs527479144, ClinGen allele CA7789456.